The following is an entry in ClinVar:

ClinVar aggregate classification (germline): Pathogenic. Review status: criteria provided, multiple submitters, no conflicts (2 of 4 stars). 7 submissions from 7 submitters: Pathogenic (7). Last evaluated 2025-11-26.

Conditions:
Nail-patella syndrome (NPS). Also called: ONYCHOOSTEODYSPLASIA; FONG DISEASE; TURNER-KIESER SYNDROME. Identifiers: Orphanet 2614, MedGen C0027341, MONDO:0008061, OMIM 161200.
LMX1B-related disorder. Also called: LMX1B-related condition.
Nail-patella-like renal disease. Also called: Focal Segmental Glomerulosclerosis 10; GLOMERULAR BASEMENT MEMBRANE DISEASE, NAIL-PATELLA SYNDROME TYPE. Identifiers: Orphanet 2613, MedGen C0403548, MONDO:0009724, OMIM 256020.

Submissions (7):

Labcorp Genetics (formerly Invitae), Labcorp
Classification: Pathogenic. Last evaluated: 2025-11-26. Review status: criteria provided, single submitter. Criteria: Invitae Variant Classification Sherloc (09022015). Collection method: clinical testing. Allele origin: germline.
Comment: This sequence change replaces alanine, which is neutral and non-polar, with proline, which is neutral and non-polar, at codon 236 of the LMX1B protein (p.Ala236Pro). This variant is not present in population databases (gnomAD no frequency). This missense change has been observed in individuals with clinical features of nail-patella syndrome (PMID: 9837817; internal data). This variant is also known as p.Ala213Pro. ClinVar contains an entry for this variant (Variation ID: 976712). Invitae Evidence Modeling of protein sequence and biophysical properties (such as structural, functional, and spatial information, amino acid conservation, physicochemical variation, residue mobility, and thermodynamic stability) indicates that this missense variant is expected to disrupt LMX1B protein function with a positive predictive value of 80%. Experimental studies have shown that this missense change affects LMX1B function (PMID: 9837817). For these reasons, this variant has been classified as Pathogenic.

GeneDx
Classification: Pathogenic. Last evaluated: 2023-06-23. Review status: criteria provided, single submitter. Criteria: GeneDx Variant Classification Process June 2021. Collection method: clinical testing. Allele origin: germline. Affected: yes.
Comment: Reported in unrelated individuals with nail-patella syndrome in the published literature (McIntosh et al., 1998); Published functional studies demonstrate A236P impairs LMX1B transactivation and acts through a haploinsufficiency mechanism (Dreyer et al., 2000); Not observed at significant frequency in large population cohorts (gnomAD); Also known as c.637 G>C p.A213P using alternate nomenclature; In silico analysis supports that this missense variant has a deleterious effect on protein structure/function; This variant is associated with the following publications: (PMID: 32963778, 10767331, 9837817)

Blueprint Genetics
Classification: Pathogenic for LMX1B-related disorders. Last evaluated: 2022-03-10. Review status: criteria provided, single submitter. Criteria: ACMG Guidelines, 2015. Collection method: clinical testing. Allele origin: germline. Affected: yes. Observed: 2 variant alleles.

Fulgent Genetics
Classification: Pathogenic for Nail-patella syndrome; Nail-patella-like renal disease. Last evaluated: 2021-08-13. Review status: criteria provided, single submitter. Criteria: ACMG Guidelines, 2015. Collection method: clinical testing. Allele origin: unknown.

Genetics and Molecular Pathology, SA Pathology
Classification: Pathogenic for Nail-patella syndrome. Last evaluated: 2020-12-11. Review status: criteria provided, single submitter. Criteria: ACMG Guidelines, 2015. Collection method: clinical testing. Allele origin: germline. Inheritance: Autosomal dominant inheritance. Affected: yes.

Institute of Human Genetics Munich, TUM University Hospital
Classification: Pathogenic for Nail-patella syndrome. Last evaluated: 2020-07-16. Review status: criteria provided, single submitter. Criteria: Classification criteria August 2017. Collection method: clinical testing. Allele origin: germline. Inheritance: Autosomal dominant inheritance. Affected: yes. Observed: 1 heterozygote.

Clinical Biomedical Laboratory, Shriners Hospital For Children - Canada
Classification: Pathogenic for Nail-patella syndrome. Review status: criteria provided, single submitter. Criteria: ACMG Guidelines, 2015. Collection method: clinical testing. Allele origin: germline. Affected: yes.
Comment: This variant is predicted to substitute an alanine residue by a proline residue in LMX1B. This variant is absent in the Genome Aggregation Database (gnomAD v2.1.1), indicating it is very rare. Computational tools (REVEL: 0.95) suggest that the amino acid change is deleterious to protein function. This variant has been reported as a cause of nail-patella syndrome in several publications (e.g. PMID 25898926). Based on the ACMG variant interpretation guidelines (criteria: PM2, PM5, PP2, PP3, PP4), the available evidence supports classification of this variant as pathogenic

Literature cited by the submitters: PubMed 9837817 (cited by Labcorp Genetics (formerly Invitae), Labcorp).

NM_001174147.2(LMX1B):c.706G>C (p.Ala236Pro)

Gene: LMX1B (LIM homeobox transcription factor 1 beta; plus strand). Cytogenetic location: 9q33.3.
Variant type: single nucleotide variant.
Coding change: c.706G>C on transcript NM_001174147.2 (MANE Select); coding-DNA position 706, G replaced by C.
Protein change: p.Ala236Pro; replaces alanine 236 with proline.
Molecular consequence: missense variant.
Genome position (GRCh38, 1-based): chr9:126,693,288, G>C. VCF-style: chr9-126693288-G-C. GRCh37 (hg19) VCF-style: chr9-129455567-G-C.
Other names: c.706G>C, p.Ala236Pro (NM_001174146.2, NM_002316.4); short protein forms A236P.
Identifiers: ClinVar variation 976712 (VCV000976712.17), dbSNP rs1588307140, ClinGen allele CA374913624.